The following is an entry in ClinVar:

NM_002354.3(EPCAM):c.75A>C (p.Glu25Asp)

Gene: EPCAM (epithelial cell adhesion molecule; plus strand). Cytogenetic location: 2p21.
Variant type: single nucleotide variant.
Coding change: c.75A>C on transcript NM_002354.3 (MANE Select); coding-DNA position 75, A replaced by C.
Protein change: p.Glu25Asp; replaces glutamic acid 25 with aspartic acid.
Molecular consequence: missense variant.
Genome position (GRCh38, 1-based): chr2:47,369,580, A>C. VCF-style: chr2-47369580-A-C. GRCh37 (hg19) VCF-style: chr2-47596719-A-C.
Other names: short protein forms E25D.
Identifiers: ClinVar variation 2586740 (VCV002586740.2), dbSNP rs2103738272, ClinGen allele CA346721490.

ClinVar aggregate classification (germline): Uncertain significance (1 of 4 stars; one submission).

Conditions:
Hereditary cancer-predisposing syndrome. Also called: Hereditary neoplastic syndrome; Tumor predisposition; Hereditary Cancer Syndrome; Neoplastic Syndromes, Hereditary. Identifiers: Orphanet 140162, MedGen C0027672, MeSH D009386, MONDO:0015356.

Submission:

Ambry Genetics
Classification: Uncertain significance for Hereditary cancer-predisposing syndrome. Last evaluated: 2023-09-14. Review status: criteria provided, single submitter. Criteria: Ambry Variant Classification Scheme 2023. Collection method: clinical testing. Allele origin: germline.
Comment: The p.E25D variant (also known as c.75A>C), located in coding exon 1 of the EPCAM gene, results from an A to C substitution at nucleotide position 75. The glutamic acid at codon 25 is replaced by aspartic acid, an amino acid with highly similar properties. This amino acid position is conserved. In addition, this alteration is predicted to be tolerated by in silico analysis. Since supporting evidence is limited at this time, the clinical significance of this alteration remains unclear.